The following is an entry in ClinVar:

ClinVar aggregate classification (germline): Uncertain significance (1 of 4 stars; one submission).

Conditions:
Inborn genetic diseases. Identifiers: MedGen C0950123, MeSH D030342.

Submission:

Ambry Genetics
Classification: Uncertain significance for Inborn genetic diseases. Last evaluated: 2024-11-25. Review status: criteria provided, single submitter. Criteria: Ambry Variant Classification Scheme 2023. Collection method: clinical testing. Allele origin: germline.
Comment: The p.C494S variant (also known as c.1480T>A), located in coding exon 12 of the DNMT3A gene, results from a T to A substitution at nucleotide position 1480. The cysteine at codon 494 is replaced by serine, an amino acid with dissimilar properties. This amino acid position is conserved. In addition, this alteration is predicted to be deleterious by in silico analysis. Based on the available evidence, the clinical significance of this variant remains unclear.

NM_022552.5(DNMT3A):c.1480T>A (p.Cys494Ser)

Gene: DNMT3A (DNA methyltransferase 3 alpha; minus strand). Cytogenetic location: 2p23.3.
Variant type: single nucleotide variant.
Coding change: c.1480T>A on transcript NM_022552.5 (MANE Select); coding-DNA position 1480, T replaced by A.
Protein change: p.Cys494Ser; replaces cysteine 494 with serine.
Molecular consequence: missense variant. On other transcripts: non-coding transcript variant (1).
Genome position (GRCh38, 1-based): chr2:25,245,327, A>T on the plus strand (T>A on the coding strand, the complement: DNMT3A is on the minus strand). VCF-style: chr2-25245327-A-T. GRCh37 (hg19) VCF-style: chr2-25468196-A-T.
Other names: c.1024T>A, p.Cys342Ser (NM_001320893.1); c.811T>A, p.Cys271Ser (NM_001375819.1); c.913T>A, p.Cys305Ser (NM_153759.3); c.1480T>A, p.Cys494Ser (NM_175629.2); short protein forms C342S, C494S, C271S, C305S.
Identifiers: ClinVar variation 3504232 (VCV003504232.1).